The following is an entry in ClinVar:

NM_001093.4(ACACB):c.3006C>A (p.Asn1002Lys)

Gene: ACACB (acetyl-CoA carboxylase beta; plus strand). Cytogenetic location: 12q24.11.
Variant type: single nucleotide variant.
Coding change: c.3006C>A on transcript NM_001093.4 (MANE Select); coding-DNA position 3006, C replaced by A.
Protein change: p.Asn1002Lys; replaces asparagine 1002 with lysine.
Molecular consequence: missense variant.
Genome position (GRCh38, 1-based): chr12:109,206,802, C>A. VCF-style: chr12-109206802-C-A. GRCh37 (hg19) VCF-style: chr12-109644607-C-A.
Other names: c.3006C>A, p.Asn1002Lys (NM_001412734.1, NM_001412735.1); c.2400C>A, p.Asn800Lys (NM_001412736.1, NM_001412738.1, NM_001412739.1 and 1 more transcripts); c.2379C>A, p.Asn793Lys (NM_001412737.1); short protein forms N1002K, N793K, N800K.
Identifiers: ClinVar variation 4978760 (VCV004978760.1).

ClinVar aggregate classification (germline): Uncertain significance (1 of 4 stars; one submission).

Conditions:
ACACB-related disorder. Also called: ACACB-related condition.

Submission:

PreventionGenetics, part of Exact Sciences
Classification: Uncertain significance for ACACB-related condition. Last evaluated: 2024-12-20. Review status: criteria provided, single submitter. Criteria: ACMG Guidelines, 2015. Collection method: clinical testing. Allele origin: germline.
Comment: The ACACB c.3006C>A variant is predicted to result in the amino acid substitution p.Asn1002Lys. This variant was reported in an individual with autism (Supplementary Data 1, Zhou et al. 2022. PubMed ID: 35982159). This variant has not been reported in a large population database (gnomAD), indicating this variant is rare. At this time, the clinical significance of this variant is uncertain due to the absence of conclusive functional and genetic evidence.